The following is an entry in ClinVar:

NM_001142633.3(PIK3R5):c.1881C>T (p.His627=)

Gene: PIK3R5 (phosphoinositide-3-kinase regulatory subunit 5; minus strand). Cytogenetic location: 17p13.1.
Variant type: single nucleotide variant.
Coding change: c.1881C>T on transcript NM_001142633.3 (MANE Select); coding-DNA position 1881, C replaced by T.
Protein change: p.His627=; no amino-acid change (histidine 627 retained).
Molecular consequence: synonymous variant.
Genome position (GRCh38, 1-based): chr17:8,887,120, G>A on the plus strand (C>T on the coding strand, the complement: PIK3R5 is on the minus strand). VCF-style: chr17-8887120-G-A. GRCh37 (hg19) VCF-style: chr17-8790437-G-A.
Other names: c.723C>T, p.His241= (NM_001251851.2, NM_001251852.2, NM_001251853.2 and 5 more transcripts); c.1881C>T, p.His627= (NM_001388396.1, NM_014308.4).
Identifiers: ClinVar variation 4874775 (VCV004874775.2).

ClinVar aggregate classification (germline): Likely benign (1 of 4 stars; one submission).

gnomAD v4.1: 33 of 1,613,950 alleles (0.002%); highest among the groups gnomAD compares: Non-Finnish European, 0.0027%; no homozygotes.

Submission:

CeGaT Center for Human Genetics Tuebingen
Classification: Likely benign. Last evaluated: 2026-04-01. Review status: criteria provided, single submitter. Criteria: CeGaT Center For Human Genetics Tuebingen Variant Classification Criteria Version 2. Collection method: clinical testing. Allele origin: germline. Affected: yes. Observed: 1 variant allele.
Comment: PIK3R5: BP4, BP7